The following is an entry in ClinVar:

ClinVar aggregate classification (germline): Likely benign. Review status: reviewed by expert panel (3 of 4 stars). 3 submissions from 3 submitters: Likely benign (1). 2 of the submissions do not count toward it. Last evaluated 2024-12-17.

Conditions:
Glanzmann thrombasthenia. Also called: BLEEDING DISORDER, PLATELET-TYPE, 2; THROMBASTHENIA OF GLANZMANN AND NAEGELI; PLATELET GLYCOPROTEIN IIb-IIIa DEFICIENCY; Thrombasthenia; Glanzmann's thrombasthenia. Identifiers: Orphanet 849, MedGen C0040015, MONDO:0100326.

Allele frequency attached by ClinVar (database versions not stated): ExAC 0.00001; gnomAD 0.00001 and 0.00003; gnomAD exomes 0.00001 and 0.00007; TOPMed 0.00005.
gnomAD v4.1: 110 of 1,610,308 alleles (0.0068%); highest among the groups gnomAD compares: Non-Finnish European, 0.0085%; no homozygotes.

Submissions (3):

ClinGen Platelet Disorders Variant Curation Expert Panel, ClinGen
Classification: Likely benign for Glanzmann thrombasthenia. Last evaluated: 2024-12-17. Review status: reviewed by expert panel. Criteria: ClinGen Platelet ACMG Specifications v2-1. Collection method: curation. Allele origin: germline. Inheritance: Autosomal recessive inheritance.
Comment: The c.1605C>T (p.His535=) variant is a synonymous variant that is not predicted by SpliceAI to impact splicing. In addition, it occurs at a nucleotide that is not conserved as shown by phyloP score of 0.424748 (BP7 and BP4). The highest population minor allele frequency in gnomAD v4.1.0 is 0.00008483 (100/1178874 alleles) in the European (non-Finnish) population, which is lower than the ClinGen PD VCEP threshold (<0.0001; PM2_Supporting). This variant was observed by Illumina as part of a predisposition screen in an ostensibly healthy population, however, no cases of the variant segregating in GT patients were found in the literature. Due to conflicting evidence, this variant is classified as likely benign for autosomal recessive Glanzmann thrombasthenia based on the ACMG/AMP criteria applied, as specified by the ClinGen PD-VCEP: BP4, BP7 and PM2_Supporting (VCEP specifications version 2.1.0).

Labcorp Genetics (formerly Invitae), Labcorp
Classification: Likely benign. Last evaluated: 2024-02-29. Review status: criteria provided, single submitter. Criteria: Invitae Variant Classification Sherloc (09022015). Collection method: clinical testing. Allele origin: germline. Not counted in ClinVar's aggregate classification.

Illumina Laboratory Services, Illumina
Classification: Uncertain significance for Glanzmann thrombasthenia 1. Last evaluated: 2018-01-12. Review status: criteria provided, single submitter. Criteria: ICSL Variant Classification Criteria 13 December 2019. Collection method: clinical testing. Allele origin: germline. Not counted in ClinVar's aggregate classification.

NM_000212.3(ITGB3):c.1605C>T (p.His535=)

Gene: ITGB3 (integrin subunit beta 3; plus strand). Cytogenetic location: 17q21.32.
Variant type: single nucleotide variant.
Coding change: c.1605C>T on transcript NM_000212.3 (MANE Select); coding-DNA position 1605, C replaced by T.
Protein change: p.His535=; no amino-acid change (histidine 535 retained).
Molecular consequence: synonymous variant.
Genome position (GRCh38, 1-based): chr17:47,292,483, C>T. VCF-style: chr17-47292483-C-T. GRCh37 (hg19) VCF-style: chr17-45369849-C-T.
Other names: NM_000212.3(ITGB3):c.1605C>T; p.His535=.
Identifiers: ClinVar variation 891955 (VCV000891955.8), dbSNP rs757985563, ClinGen allele CA8623295.